The following is an entry in ClinVar:

ClinVar aggregate classification (germline): Likely pathogenic (1 of 4 stars; one submission).

Conditions:
Glycogen storage disease, type II (IOPD). Also called: Pompe Disease; CARDIOMEGALIA GLYCOGENICA DIFFUSA; GLYCOGENOSIS, GENERALIZED, CARDIAC FORM; GSD II; POMPE DISEASE, INFANTILE-ONSET; GLYCOGEN STORAGE DISEASE II, INFANTILE-ONSET. Identifiers: Orphanet 365, MedGen C0017921, MONDO:0009290, OMIM 232300.

Submission:

Genomenon, Inc
Classification: Likely pathogenic for Glycogen storage disease, type II. Last evaluated: 2026-07-01. Review status: criteria provided, single submitter. Criteria: Genomenon Sequence Variant Interpretation Standards - Updated. Collection method: curation. Allele origin: germline. Affected: no.
Comment: GAA p.Ser332PhefsTer61 (c.994_995insTT) is a frameshift variant that is predicted to introduce a premature termination codon and result in a truncated or absent protein product. This variant has been reported in the published literature (PMID:31342611;33560568). It is absent or not present at a significant frequency in gnomAD. In conclusion, we classify GAA p.Ser332PhefsTer61 (c.994_995insTT) as a likely pathogenic variant.

Literature cited by the submitters: PubMed 31342611; PubMed 33560568.

NM_000152.5(GAA):c.994_995insTT (p.Ser332fs)

Gene: GAA (alpha glucosidase; plus strand). Cytogenetic location: 17q25.3.
Variant type: Insertion.
Coding change: c.994_995insTT on transcript NM_000152.5 (MANE Select); coding-DNA positions 994 to 995, TT inserted.
Protein change: p.Ser332fs; shifts the reading frame from serine 332.
Molecular consequence: frameshift variant.
Genome position: GRCh38 VCF-style: chr17-80108327-G-GTT. GRCh37 (hg19) VCF-style: chr17-78082126-G-GTT.
Other names: c.994_995insTT, p.Ser332fs (NM_001079803.3, NM_001079804.3, NM_001406741.1 and 1 more transcripts); short protein forms S332fs.
Identifiers: ClinVar variation 4876680 (VCV004876680.1).